The following is an entry in ClinVar:

ClinVar aggregate classification (germline): Uncertain significance (1 of 4 stars; one submission).

Submission:

Labcorp Genetics (formerly Invitae), Labcorp
Classification: Uncertain significance. Last evaluated: 2025-09-23. Review status: criteria provided, single submitter. Criteria: Invitae Variant Classification Sherloc (09022015). Collection method: clinical testing. Allele origin: germline.
Comment: This sequence change replaces valine, which is neutral and non-polar, with alanine, which is neutral and non-polar, at codon 1435 of the KMT2E protein (p.Val1435Ala). This variant is not present in population databases (gnomAD no frequency). This variant has not been reported in the literature in individuals affected with KMT2E-related conditions. Invitae Evidence Modeling of protein sequence and biophysical properties (such as structural, functional, and spatial information, amino acid conservation, physicochemical variation, residue mobility, and thermodynamic stability) indicates that this missense variant is not expected to disrupt KMT2E protein function with a negative predictive value of 80%. In summary, the available evidence is currently insufficient to determine the role of this variant in disease. Therefore, it has been classified as a Variant of Uncertain Significance.

NM_182931.3(KMT2E):c.4304T>C (p.Val1435Ala)

Gene: KMT2E (lysine methyltransferase 2E (inactive); plus strand). Cytogenetic location: 7q22.3.
Variant type: single nucleotide variant.
Coding change: c.4304T>C on transcript NM_182931.3 (MANE Select); coding-DNA position 4304, T replaced by C.
Protein change: p.Val1435Ala; replaces valine 1435 with alanine.
Molecular consequence: missense variant.
Genome position (GRCh38, 1-based): chr7:105,112,060, T>C. VCF-style: chr7-105112060-T-C. GRCh37 (hg19) VCF-style: chr7-104752507-T-C.
Other names: c.4178T>C, p.Val1393Ala (NM_001410908.1); c.4304T>C, p.Val1435Ala (NM_018682.4); short protein forms V1435A, V1393A.
Identifiers: ClinVar variation 4743397 (VCV004743397.1).